The following is an entry in ClinVar:

NM_002772.3(TMPRSS15):c.1278-2A>G

Gene: TMPRSS15 (transmembrane serine protease 15; minus strand). Cytogenetic location: 21q21.1.
Variant type: single nucleotide variant.
Coding change: c.1278-2A>G on transcript NM_002772.3 (MANE Select); the canonical splice acceptor site of the intron before coding-DNA position 1278, A replaced by G.
Molecular consequence: splice acceptor variant.
Genome position (GRCh38, 1-based): chr21:18,343,658, T>C on the plus strand (A>G on the coding strand, the complement: TMPRSS15 is on the minus strand). VCF-style: chr21-18343658-T-C. GRCh37 (hg19) VCF-style: chr21-19715975-T-C.
Other names: c.1278-2A>G (NM_001428057.1); c.1413-2A>G (NM_001428056.1).
Identifiers: ClinVar variation 3701586 (VCV003701586.2).

ClinVar aggregate classification (germline): Likely pathogenic (1 of 4 stars; one submission).

gnomAD v4.1: 21 of 1,613,326 alleles (0.0013%); highest among the groups gnomAD compares: South Asian, 0.021%; 1 homozygote.

Submission:

Labcorp Genetics (formerly Invitae), Labcorp
Classification: Likely pathogenic. Last evaluated: 2024-07-13. Review status: criteria provided, single submitter. Criteria: Invitae Variant Classification Sherloc (09022015). Collection method: clinical testing. Allele origin: germline.
Comment: This sequence change affects an acceptor splice site in intron 11 of the TMPRSS15 gene. It is expected to disrupt RNA splicing. Variants that disrupt the donor or acceptor splice site typically lead to a loss of protein function (PMID: 16199547), and loss-of-function variants in TMPRSS15 are known to be pathogenic (PMID: 11719902). This variant is present in population databases (rs778689394, gnomAD 0.03%). This variant has not been reported in the literature in individuals affected with TMPRSS15-related conditions. Algorithms developed to predict the effect of sequence changes on RNA splicing suggest that this variant may disrupt the consensus splice site. In summary, the currently available evidence indicates that the variant is pathogenic, but additional data are needed to prove that conclusively. Therefore, this variant has been classified as Likely Pathogenic.

Literature cited by the submitters: PubMed 16199547; PubMed 11719902.